The following is an entry in ClinVar:

NM_000525.4(KCNJ11):c.782T>C (p.Ile261Thr)

Gene: KCNJ11 (potassium inwardly rectifying channel subfamily J member 11; minus strand). Cytogenetic location: 11p15.1.
Variant type: single nucleotide variant.
Coding change: c.782T>C on transcript NM_000525.4 (MANE Select); coding-DNA position 782, T replaced by C.
Protein change: p.Ile261Thr; replaces isoleucine 261 with threonine.
Molecular consequence: missense variant.
Genome position (GRCh38, 1-based): chr11:17,387,310, A>G on the plus strand (T>C on the coding strand, the complement: KCNJ11 is on the minus strand). VCF-style: chr11-17387310-A-G. GRCh37 (hg19) VCF-style: chr11-17408857-A-G.
Other names: c.521T>C, p.Ile174Thr (NM_001166290.2, NM_001377296.1, NM_001377297.1); short protein forms I174T, I261T.
Identifiers: ClinVar variation 3066229 (VCV003066229.2), dbSNP rs1953577440, ClinGen allele CA379770793.

ClinVar aggregate classification (germline): Uncertain significance. Review status: criteria provided, multiple submitters, no conflicts (2 of 4 stars). 2 submissions from 2 submitters: Uncertain significance (2). Last evaluated 2025-05-22.

Conditions:
Hyperinsulinemic hypoglycemia, familial, 2. Also called: HYPERINSULINEMIC HYPOGLYCEMIA, PERSISTENT; HYPERINSULINISM, NEONATAL. Identifiers: Orphanet 276580, Orphanet 276603, MedGen C2931833, MONDO:0011153, OMIM 601820. Disease mechanism: loss of function.
Maturity-onset diabetes of the young type 13. Also called: MODY, TYPE 13. Identifiers: Orphanet 552, MedGen C4225365, MONDO:0014589, OMIM 616329.

Allele frequency attached by ClinVar (database versions not stated): gnomAD exomes below 0.00001; gnomAD 0.00001.

Submissions (2):

MVZ Martinsried, Medicover Genetics
Classification: Uncertain significance for Hyperinsulinemic hypoglycemia, familial, 2. Last evaluated: 2025-05-22. Review status: criteria provided, single submitter. Criteria: ACGS Guidelines, 2020. Collection method: clinical testing. Allele origin: unknown. Affected: yes. Observed: 1 heterozygote.

MVZ Medizinische Genetik Mainz
Classification: Uncertain significance for Maturity-onset diabetes of the young type 13. Last evaluated: 2022-02-03. Review status: criteria provided, single submitter. Criteria: UK Practice Guidelines For Variant Classification V4 01 2020. Collection method: clinical testing. Allele origin: germline. Inheritance: Autosomal dominant inheritance. Affected: yes. Observed: 1 variant allele.
Comment: ACMG Criteria: PM2_SUP, PP3, PP4